The following is an entry in ClinVar:

NM_014908.4(DOLK):c.1066C>T (p.Arg356Trp)

Gene: DOLK (dolichol kinase; minus strand). Cytogenetic location: 9q34.11.
Variant type: single nucleotide variant.
Coding change: c.1066C>T on transcript NM_014908.4 (MANE Select); coding-DNA position 1066, C replaced by T.
Protein change: p.Arg356Trp; replaces arginine 356 with tryptophan.
Molecular consequence: missense variant.
Genome position (GRCh38, 1-based): chr9:128,946,238, G>A on the plus strand (C>T on the coding strand, the complement: DOLK is on the minus strand). VCF-style: chr9-128946238-G-A. GRCh37 (hg19) VCF-style: chr9-131708517-G-A.
Other names: short protein forms R356W.
Identifiers: ClinVar variation 1781879 (VCV001781879.7), dbSNP rs368251332, ClinGen allele CA5271643.

ClinVar aggregate classification (germline): Conflicting classifications of pathogenicity. Review status: criteria provided, conflicting classifications (1 of 4 stars). 3 submissions from 3 submitters: Uncertain significance (2); Likely benign (1). Last evaluated 2025-04-09.

Conditions:
Cardiovascular phenotype. Identifiers: MedGen CN230736.
DK1-congenital disorder of glycosylation. Also called: DOLICHOL KINASE DEFICIENCY; CONGENITAL DISORDER OF GLYCOSYLATION, TYPE Im; CDG Im; DK1 DEFICIENCY; DOLK-congenital disorder of glycosylation; Carbohydrate deficient glycoprotein syndrome type 1m. Identifiers: Orphanet 91131, MedGen C1835849, MONDO:0012556, OMIM 610768.

Allele frequency attached by ClinVar (database versions not stated): gnomAD 0.00001; TOPMed 0.00003; ESP Exome Variant Server 0.00008.

Submissions (3):

Molecular Diagnostic Laboratory for Inherited Cardiovascular Disease, Montreal Heart Institute
Classification: Likely benign. Last evaluated: 2025-04-09. Review status: criteria provided, single submitter. Criteria: ACMG Guidelines, 2015. Collection method: clinical testing. Allele origin: germline. Affected: no.
Comment: BS1;BS2

Ambry Genetics
Classification: Uncertain significance for Cardiovascular phenotype. Last evaluated: 2024-12-10. Review status: criteria provided, single submitter. Criteria: Ambry Variant Classification Scheme 2023. Collection method: clinical testing. Allele origin: germline.

Labcorp Genetics (formerly Invitae), Labcorp
Classification: Uncertain significance for DK1-congenital disorder of glycosylation. Last evaluated: 2022-07-13. Review status: criteria provided, single submitter. Criteria: Invitae Variant Classification Sherloc (09022015). Collection method: clinical testing. Allele origin: germline.
Comment: This sequence change replaces arginine, which is basic and polar, with tryptophan, which is neutral and slightly polar, at codon 356 of the DOLK protein (p.Arg356Trp). This variant is present in population databases (rs368251332, gnomAD 0.02%). This variant has not been reported in the literature in individuals affected with DOLK-related conditions. Algorithms developed to predict the effect of missense changes on protein structure and function are either unavailable or do not agree on the potential impact of this missense change (SIFT: "Deleterious"; PolyPhen-2: "Possibly Damaging"; Align-GVGD: "Class C0"). In summary, the available evidence is currently insufficient to determine the role of this variant in disease. Therefore, it has been classified as a Variant of Uncertain Significance.